The following is an entry in ClinVar:

NM_032638.5(GATA2):c.112C>T (p.Gln38Ter)

Gene: GATA2 (GATA binding protein 2; minus strand). Cytogenetic location: 3q21.3.
Variant type: single nucleotide variant.
Coding change: c.112C>T on transcript NM_032638.5 (MANE Select); coding-DNA position 112, C replaced by T.
Protein change: p.Gln38Ter; replaces glutamine 38 with a stop codon.
Molecular consequence: nonsense.
Genome position (GRCh38, 1-based): chr3:128,486,920, G>A on the plus strand (C>T on the coding strand, the complement: GATA2 is on the minus strand). VCF-style: chr3-128486920-G-A. GRCh37 (hg19) VCF-style: chr3-128205763-G-A.
Other names: c.112C>T, p.Gln38Ter (NM_001145661.2, NM_001145662.1); short protein forms Q38*.
Identifiers: ClinVar variation 4793436 (VCV004793436.1).
Genomic context (GRCh38, chr3:128,486,920, plus strand): 5'-GGTTGCCCTGCGAGTCGAGGTGATTGAAGAAGACGTCCACCTCGTCTGGAGGCAGCAGCT[G>A]CGCGGGTTCCATGTAGTTGTGCGCCAGGCCCGGGTGGTGTGAGTCGGGGTGCTGCGCATT-3'

ClinVar aggregate classification (germline): Pathogenic (1 of 4 stars; one submission).

Conditions:
Monocytopenia with susceptibility to infections. Also called: MONOCYTOPENIA AND MYCOBACTERIAL INFECTION SYNDROME; MONOCYTOPENIA WITH SUSCEPTIBILITY TO MYCOBACTERIAL, FUNGAL, AND PAPILLOMAVIRUS INFECTIONS AND MYELODYSPLASIA; COMBINED IMMUNODEFICIENCY WITH SUSCEPTIBILITY TO MYCOBACTERIAL, VIRAL, AND FUNGAL INFECTIONS; Dendritic cell, monocyte, B lymphocyte, and natural killer lymphocyte deficiency; IMMUNODEFICIENCY 21; GATA2 DEFICIENCY. Identifiers: Orphanet 228423, MedGen C3280030, MONDO:0013607, OMIM 614172.
Deafness-lymphedema-leukemia syndrome. Also called: Lymphedema, primary, with myelodysplasia; Emberger syndrome. Identifiers: Orphanet 3226, MedGen C3279664, MONDO:0013540, OMIM 614038.

Submission:

Labcorp Genetics (formerly Invitae), Labcorp
Classification: Pathogenic for Monocytopenia with susceptibility to infections; Deafness-lymphedema-leukemia syndrome. Last evaluated: 2025-11-25. Review status: criteria provided, single submitter. Criteria: Invitae Variant Classification Sherloc (09022015). Collection method: clinical testing. Allele origin: germline.
Comment: This sequence change creates a premature translational stop signal (p.Gln38*) in the GATA2 gene. It is expected to result in an absent or disrupted protein product. Loss-of-function variants in GATA2 are known to be pathogenic (PMID: 21670465, 23223431). This variant is not present in population databases (gnomAD no frequency). This premature translational stop signal has been observed in individual(s) with clinical features of GATA2-related conditions (PMID: 37837580). For these reasons, this variant has been classified as Pathogenic.

Literature cited by the submitters: PubMed 21670465; PubMed 23223431; PubMed 37837580.